The following is an entry in ClinVar:

ClinVar aggregate classification (germline): Likely pathogenic (1 of 4 stars; one submission).

Conditions:
Intellectual developmental disorder, X-linked, syndromic, Snyder-Robinson type. Also called: X-linked mental retardation Snyder - Robinson type; SNYDER-ROBINSON MENTAL RETARDATION SYNDROME; Spermine synthase deficiency; Syndromic X-linked intellectual disability Snyder type. Identifiers: Orphanet 3063, MedGen C0796160, MONDO:0010664, OMIM 309583.

Submission:

Juno Genomics, Hangzhou Juno Genomics, Inc
Classification: Likely pathogenic for Intellectual developmental disorder, X-linked, syndromic, Snyder-Robinson type. Review status: criteria provided, single submitter. Criteria: ACMG Guidelines, 2015. Collection method: clinical testing. Allele origin: germline.
Comment: Absent from controls (or at extremely low frequency if recessive) in Genome Aggregation Database.;Null variant in a gene where loss of function (LOF) is a known mechanism of disease.

NM_004595.5(SMS):c.660+2T>G

Gene: SMS (spermine synthase; plus strand). Cytogenetic location: Xp22.11.
Variant type: single nucleotide variant.
Coding change: c.660+2T>G on transcript NM_004595.5 (MANE Select); the canonical splice donor site of the intron after coding-DNA position 660, T replaced by G.
Molecular consequence: splice donor variant.
Genome position (GRCh38, 1-based): chrX:21,978,116, T>G. VCF-style: chrX-21978116-T-G. GRCh37 (hg19) VCF-style: chrX-21996234-T-G.
Other names: c.501+2T>G (NM_001258423.2).
Identifiers: ClinVar variation 5019365 (VCV005019365.2).